The following is an entry in ClinVar:

ClinVar aggregate classification (germline): Uncertain significance (1 of 4 stars; one submission).

Conditions:
Dyskeratosis congenita, autosomal recessive 5 (DKCB5). Identifiers: MedGen C3554656, MONDO:0014076, OMIM 615190.
Pulmonary fibrosis and/or bone marrow failure, Telomere-related, 3. Also called: PULMONARY FIBROSIS AND/OR BONE MARROW FAILURE SYNDROME, TELOMERE-RELATED, 3. Identifiers: Orphanet 2032, MedGen C4225346, MONDO:0014613, OMIM 616373.

Submission:

Labcorp Genetics (formerly Invitae), Labcorp
Classification: Uncertain significance for Dyskeratosis congenita, autosomal recessive 5; Pulmonary fibrosis and/or bone marrow failure, Telomere-related, 3. Last evaluated: 2021-05-20. Review status: criteria provided, single submitter. Criteria: Invitae Variant Classification Sherloc (09022015). Collection method: clinical testing. Allele origin: germline.
Comment: In summary, the available evidence is currently insufficient to determine the role of this variant in disease. Therefore, it has been classified as a Variant of Uncertain Significance. Algorithms developed to predict the effect of missense changes on protein structure and function are either unavailable or do not agree on the potential impact of this missense change (SIFT: "Tolerated"; PolyPhen-2: "Probably Damaging"; Align-GVGD: "Class C0"). This variant has not been reported in the literature in individuals with RTEL1-related conditions. This variant is not present in population databases (ExAC no frequency). This sequence change replaces threonine with lysine at codon 972 of the RTEL1 protein (p.Thr972Lys). The threonine residue is moderately conserved and there is a moderate physicochemical difference between threonine and lysine.

NM_001283009.2(RTEL1):c.2915C>A (p.Thr972Lys)

Genes: RTEL1 (regulator of telomere elongation helicase 1; plus strand), RTEL1-TNFRSF6B (RTEL1-TNFRSF6B readthrough (NMD candidate); plus strand). Cytogenetic location: 20q13.33.
Variant type: single nucleotide variant.
Coding change: c.2915C>A on transcript NM_001283009.2 (MANE Select); coding-DNA position 2915, C replaced by A.
Protein change: p.Thr972Lys; replaces threonine 972 with lysine.
Molecular consequence: missense variant. On other transcripts: non-coding transcript variant (1).
Genome position (GRCh38, 1-based): chr20:63,693,206, C>A. VCF-style: chr20-63693206-C-A. GRCh37 (hg19) VCF-style: chr20-62324559-C-A.
Other names: c.2246C>A, p.Thr749Lys (NM_001283010.1); c.2915C>A, p.Thr972Lys (NM_016434.4); c.2987C>A, p.Thr996Lys (NM_032957.5); short protein forms T996K, T749K, T972K.
Identifiers: ClinVar variation 1475958 (VCV001475958.8), dbSNP rs199834369, ClinGen allele CA409683303.
Genomic context (GRCh38, chr20:63,693,206, plus strand): 5'-TCTACCAGTTTGTGCGGCCCCACCATAAGCAGCAGTTTGAGGAGGTCTGTATCCAGCTGA[C>A]AGGACGAGGCTGTGGCTATCGGCCTGAGCACAGCATTCCCCGAAGGCAGCGGGCACAGCC-3'
Protein context (NP_001269938.1, residues 962-982): QQFEEVCIQL[Thr972Lys]GRGCGYRPEH